The following is an entry in ClinVar:

ClinVar aggregate classification (germline): Conflicting classifications of pathogenicity. Review status: criteria provided, conflicting classifications (1 of 4 stars). 3 submissions from 3 submitters: Uncertain significance (1); Likely benign (1). 1 of the submissions does not count toward it. Last evaluated 2025-06-09.

Conditions:
Hereditary cancer-predisposing syndrome. Also called: Hereditary Cancer Syndrome; Hereditary neoplastic syndrome; Neoplastic Syndromes, Hereditary; Tumor predisposition. Identifiers: Orphanet 140162, MedGen C0027672, MeSH D009386, MONDO:0015356.
Familial cancer of breast. Also called: Hereditary breast cancer; BREAST CANCER, FAMILIAL; hereditary breast carcinoma. Identifiers: Orphanet 227535, MedGen C0346153, MONDO:0016419, OMIM 114480. Disease mechanism: loss of function.

Allele frequency attached by ClinVar (database versions not stated): gnomAD 0.00001.
gnomAD v4.1: 1 of 1,612,956 alleles (0.000062%); highest among the groups gnomAD compares: Non-Finnish European, 0.000085%; no homozygotes.

Submissions (3):

Ambry Genetics
Classification: Likely benign for Hereditary cancer-predisposing syndrome. Last evaluated: 2025-06-09. Review status: criteria provided, single submitter. Criteria: Ambry Variant Classification Scheme 2023. Collection method: clinical testing. Allele origin: germline.

Labcorp Genetics (formerly Invitae), Labcorp
Classification: Uncertain significance for Familial cancer of breast. Last evaluated: 2023-08-20. Review status: criteria provided, single submitter. Criteria: Invitae Variant Classification Sherloc (09022015). Collection method: clinical testing. Allele origin: germline.
Comment: In summary, the available evidence is currently insufficient to determine the role of this variant in disease. Therefore, it has been classified as a Variant of Uncertain Significance. Algorithms developed to predict the effect of missense changes on protein structure and function output the following: SIFT: "Not Available"; PolyPhen-2: "Benign"; Align-GVGD: "Not Available". The valine amino acid residue is found in multiple mammalian species, which suggests that this missense change does not adversely affect protein function. ClinVar contains an entry for this variant (Variation ID: 216763). This variant has not been reported in the literature in individuals affected with PALB2-related conditions. This variant is present in population databases (no rsID available, gnomAD 0.007%). This sequence change replaces leucine, which is neutral and non-polar, with valine, which is neutral and non-polar, at codon 329 of the PALB2 protein (p.Leu329Val).

Leiden Open Variation Database
Classification: Uncertain significance. Last evaluated: 2018-10-10. Review status: no assertion criteria provided. Collection method: curation. Allele origin: germline. Affected: yes. Not counted in ClinVar's aggregate classification.
Comment: Curators: Marc Tischkowitz, Arleen D. Auerbach. Submitter to LOVD: Yukihide Momozawa.

Literature cited by the submitters: PubMed 30287823 (cited by Leiden Open Variation Database).

NM_024675.4(PALB2):c.985C>G (p.Leu329Val)

Gene: PALB2 (partner and localizer of BRCA2; minus strand). Cytogenetic location: 16p12.2.
Variant type: single nucleotide variant.
Coding change: c.985C>G on transcript NM_024675.4 (MANE Select); coding-DNA position 985, C replaced by G.
Protein change: p.Leu329Val; replaces leucine 329 with valine.
Molecular consequence: missense variant.
Genome position (GRCh38, 1-based): chr16:23,635,561, G>C on the plus strand (C>G on the coding strand, the complement: PALB2 is on the minus strand). VCF-style: chr16-23635561-G-C. GRCh37 (hg19) VCF-style: chr16-23646882-G-C.
Other names: short protein forms L329V.
Identifiers: ClinVar variation 216763 (VCV000216763.14), dbSNP rs863224792, ClinGen allele CA336763.